The following is an entry in ClinVar:

ClinVar aggregate classification (germline): Uncertain significance (1 of 4 stars; one submission).

Conditions:
POLD1-related polyposis and colorectal cancer syndrome (CRCS10). Also called: Colorectal cancer 10; COLORECTAL CANCER, SUSCEPTIBILITY TO, ON CHROMOSOME 19q; Colorectal cancer, susceptibility to, 10. Identifiers: Orphanet 220460, MedGen C2675481, MONDO:0012953, OMIM 612591.

Submission:

Labcorp Genetics (formerly Invitae), Labcorp
Classification: Uncertain significance for POLD1-related polyposis and colorectal cancer syndrome. Last evaluated: 2017-10-17. Review status: criteria provided, single submitter. Criteria: Invitae Variant Classification Sherloc (09022015). Collection method: clinical testing. Allele origin: germline.
Comment: Missense variants that disrupt the 3'-5' exonuclease (proof-reading) activity of the POLD1 protein, while not abolishing its polymerase enzyme activity, are associated with an increased risk for colonic adenomatous polyps and colon cancer (PMID: 23263490, 23447401). Loss-of-function truncating variants, which result in an absent or severely disrupted POLD1 protein, are therefore unlikely to be associated with disease. Without further clinical and genetic evidence, however, this variant has been classified as a Variant of Uncertain Significance This variant has not been reported in the literature in individuals with POLD1-related disease. While this variant is not present in population databases, the frequency information is unreliable, as metrics indicate poor data quality at this position in the ExAC database. This sequence change affects an acceptor splice site in intron 21 of the POLD1 gene. It is expected to disrupt RNA splicing and likely results in an absent or disrupted protein product.

Literature cited by the submitters: PubMed 23263490; PubMed 23447401.

NM_002691.4(POLD1):c.2718-2A>C

Gene: POLD1 (DNA polymerase delta 1, catalytic subunit; plus strand). Cytogenetic location: 19q13.33.
Variant type: single nucleotide variant.
Coding change: c.2718-2A>C on transcript NM_002691.4 (MANE Select); the canonical splice acceptor site of the intron before coding-DNA position 2718, A replaced by C.
Molecular consequence: splice acceptor variant.
Genome position (GRCh38, 1-based): chr19:50,415,722, A>C. VCF-style: chr19-50415722-A-C. GRCh37 (hg19) VCF-style: chr19-50918979-A-C.
Other names: c.2718-2A>C (NM_001256849.1); c.2796-2A>C (NM_001308632.1).
Identifiers: ClinVar variation 537059 (VCV000537059.9), dbSNP rs1555793132, ClinGen allele CA406985780.